The following is an entry in ClinVar:

ClinVar aggregate classification (germline): Uncertain significance (1 of 4 stars; one submission).

Conditions:
Hereditary cancer-predisposing syndrome. Also called: Neoplastic Syndromes, Hereditary; Tumor predisposition; Hereditary Cancer Syndrome; Hereditary neoplastic syndrome. Identifiers: Orphanet 140162, MedGen C0027672, MeSH D009386, MONDO:0015356.

Submission:

Ambry Genetics
Classification: Uncertain significance for Hereditary cancer-predisposing syndrome. Last evaluated: 2022-01-31. Review status: criteria provided, single submitter. Criteria: Ambry Variant Classification Scheme 2023. Collection method: clinical testing. Allele origin: germline.
Comment: The c.3990-4A>G intronic variant results from an A to G substitution 4 nucleotides upstream from coding exon 20 in the MET gene. This nucleotide position is not well conserved in available vertebrate species. In silico splice site analysis for this alteration is inconclusive. Since supporting evidence is limited at this time, the clinical significance of this alteration remains unclear.

NM_000245.4(MET):c.3936-4A>G

Gene: MET (MET proto-oncogene, receptor tyrosine kinase; plus strand). Cytogenetic location: 7q31.2.
Variant type: single nucleotide variant.
Coding change: c.3936-4A>G on transcript NM_000245.4 (MANE Select); 4 bases into the intron before coding-DNA position 3936, A replaced by G.
Molecular consequence: intron variant.
Genome position (GRCh38, 1-based): chr7:116,795,883, A>G. VCF-style: chr7-116795883-A-G. GRCh37 (hg19) VCF-style: chr7-116435937-A-G.
Other names: c.3990-4A>G (NM_001127500.3); c.2646-4A>G (NM_001324402.2).
Identifiers: ClinVar variation 1736771 (VCV001736771.2), dbSNP rs2117110321, ClinGen allele CA2580076252.
Genomic context (GRCh38, chr7:116,795,883, plus strand): 5'-TTACTTTTACAGAAATGCCTGCCTTCAAAGGGTCTCTTACAGCATGTCTTTCTTTTTGGA[A>G]CAGATATGAAGTAATGCTAAAATGCTGGCACCCTAAAGCCGAAATGCGCCCATCCTTTTC-3'